The following is an entry in ClinVar:

NM_001040142.2(SCN2A):c.1436G>A (p.Gly479Glu)

Gene: SCN2A (sodium voltage-gated channel alpha subunit 2; plus strand). Cytogenetic location: 2q24.3.
Variant type: single nucleotide variant.
Coding change: c.1436G>A on transcript NM_001040142.2 (MANE Select); coding-DNA position 1436, G replaced by A.
Protein change: p.Gly479Glu; replaces glycine 479 with glutamic acid.
Molecular consequence: missense variant.
Genome position (GRCh38, 1-based): chr2:165,315,523, G>A. VCF-style: chr2-165315523-G-A. GRCh37 (hg19) VCF-style: chr2-166172033-G-A.
Other names: c.1436G>A, p.Gly479Glu (NM_001040143.2, NM_001371246.1, NM_001371247.1 and 1 more transcripts); short protein forms G479E.
Identifiers: ClinVar variation 653693 (VCV000653693.9), dbSNP rs763114190, ClinGen allele CA349022812.

ClinVar aggregate classification (germline): Uncertain significance (1 of 4 stars; one submission).

Conditions:
Seizures, benign familial infantile, 3 (BFIS3). Also called: Familial neonatal seizures; CONVULSIONS, BENIGN FAMILIAL INFANTILE, 3. Identifiers: Orphanet 140927, Orphanet 306, MedGen C1843140, MONDO:0011904, OMIM 607745.
Developmental and epileptic encephalopathy, 11 (DEE11). Also called: Early infantile epileptic encephalopathy 11. Identifiers: Orphanet 1934, MedGen C3150987, MONDO:0013388, OMIM 613721.

Submission:

Labcorp Genetics (formerly Invitae), Labcorp
Classification: Uncertain significance for Seizures, benign familial infantile, 3; Developmental and epileptic encephalopathy, 11. Last evaluated: 2018-11-06. Review status: criteria provided, single submitter. Criteria: Invitae Variant Classification Sherloc (09022015). Collection method: clinical testing. Allele origin: germline.
Comment: In summary, the available evidence is currently insufficient to determine the role of this variant in disease. Therefore, it has been classified as a Variant of Uncertain Significance. This variant is not present in population databases (ExAC no frequency). This variant has not been reported in the literature in individuals with SCN2A-related disease. Algorithms developed to predict the effect of missense changes on protein structure and function are either unavailable or do not agree on the potential impact of this missense change (SIFT: "Tolerated"; PolyPhen-2: "Possibly Damaging"; Align-GVGD: "Class C0"). This sequence change replaces glycine with glutamic acid at codon 479 of the SCN2A protein (p.Gly479Glu). The glycine residue is highly conserved and there is a moderate physicochemical difference between glycine and glutamic acid.